The following is an entry in ClinVar:

NM_001605.3(AARS1):c.2218G>C (p.Val740Leu)

Gene: AARS1 (alanyl-tRNA synthetase 1; minus strand). Cytogenetic location: 16q22.1.
Variant type: single nucleotide variant.
Coding change: c.2218G>C on transcript NM_001605.3 (MANE Select); coding-DNA position 2218, G replaced by C.
Protein change: p.Val740Leu; replaces valine 740 with leucine.
Molecular consequence: missense variant.
Genome position (GRCh38, 1-based): chr16:70,255,796, C>G on the plus strand (G>C on the coding strand, the complement: AARS1 is on the minus strand). VCF-style: chr16-70255796-C-G. GRCh37 (hg19) VCF-style: chr16-70289699-C-G.
Other names: short protein forms V740L.
Identifiers: ClinVar variation 264996 (VCV000264996.12), dbSNP rs749217453, ClinGen allele CA10588625.

ClinVar aggregate classification (germline): Uncertain significance. Review status: criteria provided, multiple submitters, no conflicts (2 of 4 stars). 4 submissions from 4 submitters: Uncertain significance (4). Last evaluated 2026-01-29.

Conditions:
AARS1-related disorder. Also called: AARS1-related condition.
Inborn genetic diseases. Identifiers: MedGen C0950123, MeSH D030342.
Charcot-Marie-Tooth disease type 2. Also called: Charcot-Marie-Tooth type 2. Identifiers: Orphanet 64746, MedGen C0270914, MONDO:0018993.

Allele frequency attached by ClinVar (database versions not stated): gnomAD 0.00003.
gnomAD v4.1: 8 of 1,614,058 alleles (0.0005%); highest among the groups gnomAD compares: East Asian, 0.0022%; no homozygotes.

Submissions (4):

PreventionGenetics, part of Exact Sciences
Classification: Uncertain significance for AARS1-related condition. Last evaluated: 2026-01-29. Review status: criteria provided, single submitter. Criteria: ACMG Guidelines, 2015. Collection method: clinical testing. Allele origin: germline.
Comment: The AARS1 c.2218G>C variant is predicted to result in the amino acid substitution p.Val740Leu. To our knowledge, this variant has not been reported in the literature. This variant is reported in 0.0050% of alleles in individuals of East Asian descent in gnomAD. At this time, the clinical significance of this variant is uncertain due to the absence of conclusive functional and genetic evidence.

Labcorp Genetics (formerly Invitae), Labcorp
Classification: Uncertain significance for Charcot-Marie-Tooth disease type 2. Last evaluated: 2025-08-29. Review status: criteria provided, single submitter. Criteria: Invitae Variant Classification Sherloc (09022015). Collection method: clinical testing. Allele origin: germline.
Comment: This sequence change replaces valine, which is neutral and non-polar, with leucine, which is neutral and non-polar, at codon 740 of the AARS protein (p.Val740Leu). This variant is present in population databases (no rsID available, gnomAD 0.005%). This variant has not been reported in the literature in individuals affected with AARS-related conditions. ClinVar contains an entry for this variant (Variation ID: 264996). Invitae Evidence Modeling of protein sequence and biophysical properties (such as structural, functional, and spatial information, amino acid conservation, physicochemical variation, residue mobility, and thermodynamic stability) indicates that this missense variant is not expected to disrupt AARS protein function with a negative predictive value of 95%. In summary, the available evidence is currently insufficient to determine the role of this variant in disease. Therefore, it has been classified as a Variant of Uncertain Significance.

Ambry Genetics
Classification: Uncertain significance for Inborn genetic diseases. Last evaluated: 2025-01-15. Review status: criteria provided, single submitter. Criteria: Ambry Variant Classification Scheme 2023. Collection method: clinical testing. Allele origin: germline.

GeneDx
Classification: Uncertain significance. Last evaluated: 2016-08-17. Review status: criteria provided, single submitter. Criteria: GeneDx Variant Classification (06012015). Collection method: clinical testing. Allele origin: germline. Affected: yes.
Comment: V740L variant in the AARS gene has not been published as a pathogenic variant, nor has it been reported as a benign polymorphism to our knowledge. The V740L variant was not observed in approximately 6500 individuals of European and African American ancestry in the NHLBI Exome Sequencing Project, indicating it is not a common benign variant in these populations. The V740L variant is a conservative amino acid substitution, which occurs at a position that is well conserved across species, and in silico analysis is inconsistent in its predictions as to whether or not the variant is damaging to the protein structure/function. We interpret V740L as a variant of unknown significance.